The following is an entry in ClinVar:

ClinVar aggregate classification (germline): Pathogenic (1 of 4 stars; one submission).

Conditions:
Familial cancer of breast. Also called: hereditary breast carcinoma; Hereditary breast cancer; BREAST CANCER, FAMILIAL. Identifiers: Orphanet 227535, MedGen C0346153, MONDO:0016419, OMIM 114480. Disease mechanism: loss of function.

Submission:

Labcorp Genetics (formerly Invitae), Labcorp
Classification: Pathogenic for Familial cancer of breast. Last evaluated: 2023-11-04. Review status: criteria provided, single submitter. Criteria: Invitae Variant Classification Sherloc (09022015). Collection method: clinical testing. Allele origin: germline.
Comment: This sequence change creates a premature translational stop signal (p.Trp904*) in the PALB2 gene. It is expected to result in an absent or disrupted protein product. Loss-of-function variants in PALB2 are known to be pathogenic (PMID: 17200668, 17200671, 17200672, 24136930, 25099575). Information on the frequency of this variant in the gnomAD database is not available, as this variant may be reported differently in the database. This premature translational stop signal has been observed in individual(s) with breast cancer (PMID: 34326862). For these reasons, this variant has been classified as Pathogenic.

Literature cited by the submitters: PubMed 17200668; PubMed 17200671; PubMed 17200672; PubMed 24136930; PubMed 25099575; PubMed 34326862.

NM_024675.4(PALB2):c.2711_2712delinsAA (p.Trp904Ter)

Gene: PALB2 (partner and localizer of BRCA2; minus strand). Cytogenetic location: 16p12.2.
Variant type: Indel.
Coding change: c.2711_2712delinsAA on transcript NM_024675.4 (MANE Select); coding-DNA positions 2711 to 2712, GG replaced by AA.
Protein change: p.Trp904Ter; replaces tryptophan 904 with a stop codon.
Molecular consequence: nonsense. On other transcripts: intron variant (3).
Genome position (GRCh38, 1-based): chr16:23,626,272-23,626,273, CC replaced by TT on the plus strand (GG replaced by AA on the coding strand, the reverse complement: PALB2 is on the minus strand). VCF-style: chr16-23626272-CC-TT. GRCh37 (hg19) VCF-style: chr16-23637593-CC-TT.
Other names: c.2651_2652delinsAA, p.Trp884Ter (NM_001407296.1); c.2639_2640delinsAA, p.Trp880Ter (NM_001407297.1); c.2711_2712delinsAA, p.Trp904Ter (NM_001407299.1, NM_001407300.1, NM_001407301.1); c.1826_1827delinsAA, p.Trp609Ter (NM_001407304.1, NM_001407305.1, NM_001407306.1 and 4 more transcripts); c.923_924delinsAA, p.Trp308Ter (NM_001407312.1, NM_001407313.1); c.245_246delinsAA, p.Trp82Ter (NM_001407314.1); c.2587-2179_2587-2178delinsAA (NM_001407302.1, NM_001407298.1); c.1702-2179_1702-2178delinsAA (NM_001407307.1); short protein forms W884*, W308*, W609*, W82*, W880*, W904*.
Identifiers: ClinVar variation 2693088 (VCV002693088.3), dbSNP rs2506369925, ClinGen allele CA2697555715.